The following is an entry in ClinVar:

ClinVar aggregate classification (germline): Uncertain significance (1 of 4 stars; one submission).

Conditions:
Hereditary nonpolyposis colorectal neoplasms. Identifiers: MedGen C0009405, MeSH D003123.

Submission:

Labcorp Genetics (formerly Invitae), Labcorp
Classification: Uncertain significance for Hereditary nonpolyposis colorectal neoplasms. Last evaluated: 2022-11-29. Review status: criteria provided, single submitter. Criteria: Invitae Variant Classification Sherloc (09022015). Collection method: clinical testing. Allele origin: germline.
Comment: This variant is not present in population databases (gnomAD no frequency). This sequence change replaces leucine, which is neutral and non-polar, with histidine, which is basic and polar, at codon 773 of the MSH6 protein (p.Leu773His). This variant has not been reported in the literature in individuals affected with MSH6-related conditions. In summary, the available evidence is currently insufficient to determine the role of this variant in disease. Therefore, it has been classified as a Variant of Uncertain Significance. Advanced modeling of protein sequence and biophysical properties (such as structural, functional, and spatial information, amino acid conservation, physicochemical variation, residue mobility, and thermodynamic stability) performed at Invitae indicates that this missense variant is expected to disrupt MSH6 protein function. ClinVar contains an entry for this variant (Variation ID: 1021170).

NM_000179.3(MSH6):c.2318T>A (p.Leu773His)

Gene: MSH6 (mutS homolog 6; plus strand). Cytogenetic location: 2p16.3.
Variant type: single nucleotide variant.
Coding change: c.2318T>A on transcript NM_000179.3 (MANE Select); coding-DNA position 2318, T replaced by A.
Protein change: p.Leu773His; replaces leucine 773 with histidine.
Molecular consequence: missense variant.
Genome position (GRCh38, 1-based): chr2:47,800,301, T>A. VCF-style: chr2-47800301-T-A. GRCh37 (hg19) VCF-style: chr2-48027440-T-A.
Other names: c.1928T>A, p.Leu643His (NM_001281492.2); c.1412T>A, p.Leu471His (NM_001281493.2, NM_001281494.2); short protein forms L471H, L643H, L773H.
Identifiers: ClinVar variation 1021170 (VCV001021170.9), dbSNP rs863224623, ClinGen allele CA346753183.